The following is an entry in ClinVar:

NM_020338.4(ZMIZ1):c.1010G>A (p.Arg337Gln)

Gene: ZMIZ1 (zinc finger MIZ-type containing 1; plus strand). Cytogenetic location: 10q22.3.
Variant type: single nucleotide variant.
Coding change: c.1010G>A on transcript NM_020338.4 (MANE Select); coding-DNA position 1010, G replaced by A.
Protein change: p.Arg337Gln; replaces arginine 337 with glutamine.
Molecular consequence: missense variant.
Genome position (GRCh38, 1-based): chr10:79,293,433, G>A. VCF-style: chr10-79293433-G-A. GRCh37 (hg19) VCF-style: chr10-81053190-G-A.
Other names: short protein forms R337Q.
Identifiers: ClinVar variation 3688034 (VCV003688034.2).

ClinVar aggregate classification (germline): Uncertain significance (1 of 4 stars; one submission).

gnomAD v4.1: 7 of 1,526,596 alleles (0.00046%); highest among the groups gnomAD compares: Non-Finnish European, 0.00062%; no homozygotes.

Submission:

Labcorp Genetics (formerly Invitae), Labcorp
Classification: Uncertain significance. Last evaluated: 2024-07-09. Review status: criteria provided, single submitter. Criteria: Invitae Variant Classification Sherloc (09022015). Collection method: clinical testing. Allele origin: germline.
Comment: This sequence change replaces arginine, which is basic and polar, with glutamine, which is neutral and polar, at codon 337 of the ZMIZ1 protein (p.Arg337Gln). This variant is not present in population databases (gnomAD no frequency). This variant has not been reported in the literature in individuals affected with ZMIZ1-related conditions. Advanced modeling of protein sequence and biophysical properties (such as structural, functional, and spatial information, amino acid conservation, physicochemical variation, residue mobility, and thermodynamic stability) performed at Invitae indicates that this missense variant is not expected to disrupt ZMIZ1 protein function with a negative predictive value of 80%. In summary, the available evidence is currently insufficient to determine the role of this variant in disease. Therefore, it has been classified as a Variant of Uncertain Significance.